The following is an entry in ClinVar:

NM_002693.3(POLG):c.1A>T (p.Met1Leu)

Genes: POLG (DNA polymerase gamma, catalytic subunit; minus strand), POLGARF (POLG alternative reading frame; minus strand). Cytogenetic location: 15q26.1.
Variant type: single nucleotide variant.
Coding change: c.1A>T on transcript NM_002693.3 (MANE Select); coding-DNA position 1, A replaced by T.
Protein change: p.Met1Leu; changes the start codon (methionine 1).
Molecular consequence: missense variant, initiator codon variant.
Genome position (GRCh38, 1-based): chr15:89,333,754, T>A on the plus strand (A>T on the coding strand, the complement: POLG is on the minus strand). VCF-style: chr15-89333754-T-A. GRCh37 (hg19) VCF-style: chr15-89876985-T-A.
Other names: c.56A>T, p.His19Leu (NM_001430120.1); c.1A>T, p.Met1Leu (NM_001126131.2); short protein forms H19L, M1L.
Identifiers: ClinVar variation 5004617 (VCV005004617.1).

ClinVar aggregate classification (germline): Uncertain significance (1 of 4 stars; one submission).

Conditions:
POLG-related disorder. Also called: POLG-related condition; POLG-Related Disorders; POLG-Related Spectrum Disorders. Identifiers: MedGen C4763519.

Submission:

Myriad Genetics, Inc.
Classification: Uncertain significance for POLG-related disorder. Last evaluated: 2026-04-22. Review status: criteria provided, single submitter. Criteria: Myriad Autosomal Dominant, Autosomal Recessive and X-Linked Classification Criteria (2023). Collection method: clinical testing. Allele origin: unknown.
Comment: NM_002693.2(POLG):c.1A>T(M1?) is an initiation codon variant classified as a variant of uncertain significance in the context of POLG-related disorders. M1? has not been observed in cases with relevant disease. Relevant functional assessments of this variant are not available in the literature. M1? has not been observed in referenced population frequency databases. In summary, there is insufficient evidence to classify NM_002693.2(POLG):c.1A>T(M1?) as pathogenic or benign. Please note: this variant was assessed in the context of healthy population screening.